The following is an entry in ClinVar:

NM_001349253.2(SCN11A):c.5201A>G (p.Glu1734Gly)

Gene: SCN11A (sodium voltage-gated channel alpha subunit 11; minus strand). Cytogenetic location: 3p22.2.
Variant type: single nucleotide variant.
Coding change: c.5201A>G on transcript NM_001349253.2 (MANE Select); coding-DNA position 5201, A replaced by G.
Protein change: p.Glu1734Gly; replaces glutamic acid 1734 with glycine.
Molecular consequence: missense variant.
Genome position (GRCh38, 1-based): chr3:38,846,869, T>C on the plus strand (A>G on the coding strand, the complement: SCN11A is on the minus strand). VCF-style: chr3-38846869-T-C. GRCh37 (hg19) VCF-style: chr3-38888360-T-C.
Other names: c.5201A>G, p.Glu1734Gly (NM_014139.3); c.5201A>G (NM_014139.2); short protein forms E1734G.
Identifiers: ClinVar variation 2682227 (VCV002682227.2), dbSNP rs2470963388, ClinGen allele CA352160473.

ClinVar aggregate classification (germline): Uncertain significance. Review status: criteria provided, multiple submitters, no conflicts (2 of 4 stars). 2 submissions from 2 submitters: Uncertain significance (2). Last evaluated 2025-08-30.

Conditions:
Inborn genetic diseases. Identifiers: MedGen C0950123, MeSH D030342.

gnomAD v4.1: 5 of 1,614,124 alleles (0.00031%); highest among the groups gnomAD compares: Non-Finnish European, 0.00034%; no homozygotes.

Submissions (2):

Ambry Genetics
Classification: Uncertain significance for Inborn genetic diseases. Last evaluated: 2025-08-30. Review status: criteria provided, single submitter. Criteria: Ambry Variant Classification Scheme 2023. Collection method: clinical testing. Allele origin: germline.

Women's Health and Genetics/Laboratory Corporation of America, LabCorp
Classification: Uncertain significance. Last evaluated: 2023-11-21. Review status: criteria provided, single submitter. Criteria: LabCorp Variant Classification Summary - May 2015. Collection method: clinical testing. Allele origin: germline.
Comment: Variant summary: SCN11A c.5201A>G (p.Glu1734Gly) results in a non-conservative amino acid change in the encoded protein sequence. Five of five in-silico tools predict a damaging effect of the variant on protein function. The variant was absent in 251434 control chromosomes. The available data on variant occurrences in the general population are insufficient to allow any conclusion about variant significance. To our knowledge, no occurrence of c.5201A>G in individuals affected with Hereditary Sensory And Autonomic Neuropathy Type 7 and no experimental evidence demonstrating its impact on protein function have been reported. No submitters have cited clinical-significance assessments for this variant to ClinVar after 2014. Based on the evidence outlined above, the variant was classified as uncertain significance.